The following continues an entry in ClinVar:

NM_000051.4(ATM):c.712A>G (p.Ile238Val)

Gene: ATM. ClinVar aggregate classification (germline): Conflicting classifications of pathogenicity. Uncertain significance (14); Likely benign (2).

Submissions 13 to 17 of 17:

Sema4
Classification: Uncertain significance for Hereditary cancer-predisposing syndrome. Last evaluated: 2021-09-01. Review status: criteria provided, single submitter. Criteria: Sema4 Curation Guidelines. Collection method: curation. Allele origin: germline.
Comment: The ATM c.712A>G (p.I238V) variant has been reported in heterozygosity in individuals with breast cancer, ovarian cancer, and colorectal cancer (PMID: 30287823, 33471991, 26689913, 27978560). It has also been seen in healthy controls in case-control studies (PMID: 30287823, 33471991, 33471991). It was observed in 4/113420 chromosomes of the Non-Finnish European subpopulation in the large and broad cohorts of the Genome Aggregation Database (PMID: 32461654). The variant has been reported in ClinVar (Variation ID 186210). In silico tools suggest the impact of the variant on protein function is benign, though these predictions have not been confirmed by functional studies. The evidence is insufficient to meet ACMG/AMP criteria for classifying the variant as benign or pathogenic. Thus, the clinical significance of this variant is currently uncertain.

Centre for Mendelian Genomics, University Medical Centre Ljubljana
Classification: Uncertain significance for Familial cancer of breast. Last evaluated: 2020-03-23. Review status: criteria provided, single submitter. Criteria: ACMG Guidelines, 2015. Collection method: clinical testing. Allele origin: unknown. Affected: yes.
Comment: This variant was classified as: Uncertain significance. The available evidence on this variant's pathogenicity is insufficient or conflicting. The following ACMG criteria were applied in classifying this variant: PM2,BP4.

ARUP Laboratories, Molecular Genetics and Genomics, ARUP Laboratories
Classification: Uncertain significance. Last evaluated: 2020-02-01. Review status: criteria provided, single submitter. Criteria: ARUP Molecular Germline Variant Investigation Process. Collection method: clinical testing. Allele origin: germline.
Comment: The ATM c.712A>G; p.Ile238Val variant (rs754275014) is reported in the literature in an individual with colorectal cancer (Pearlman 2017), and individuals with breast cancer but was also reported in healthy controls (Momozawa 2018). This variant is reported in the ClinVar database (Variation ID: 186210). It is found in the general population with an overall allele frequency of 0.002% (4/251040 alleles) in the Genome Aggregation Database. The isoleucine at codon 238 is moderately conserved, but computational analyses (SIFT, PolyPhen-2) predict that this variant is tolerated. Due to limited information, the clinical significance of this variant is uncertain at this time. REFERENCES Momozawa Y et al. Germline pathogenic variants of 11 breast cancer genes in 7,051 Japanese patients and 11,241 controls. Nat Commun. 2018 Oct 4;9(1):4083. Pearlman R et al. Prevalence and Spectrum of Germline Cancer Susceptibility Gene Mutations Among Patients With Early-Onset Colorectal Cancer. JAMA Oncol. 2017 Apr 1;3(4):464-471.

Ambry Genetics
Classification: Likely benign for Hereditary cancer-predisposing syndrome. Last evaluated: 2019-04-19. Review status: criteria provided, single submitter. Criteria: Ambry Variant Classification Scheme 2023. Collection method: clinical testing. Allele origin: germline.

Counsyl
Classification: Uncertain significance for Ataxia-telangiectasia syndrome. Last evaluated: 2018-02-23. Review status: no assertion criteria provided. Collection method: clinical testing. Allele origin: unknown. Not counted in ClinVar's aggregate classification.

Literature cited by the submitters: PubMed 26689913 (cited by 6 submitters); PubMed 27978560 (cited by 7 submitters); PubMed 30287823 (cited by 7 submitters); PubMed 25186627 (cited by Women's Health and Genetics/Laboratory Corporation of America, LabCorp); PubMed 33471991 (cited by 5 submitters); PubMed 34262154 (cited by Women's Health and Genetics/Laboratory Corporation of America, LabCorp and Mayo Clinic Laboratories, Mayo Clinic); PubMed 36243179 (cited by 4 submitters); PubMed 25085752 (cited by Myriad Genetics, Inc.).